The following is an entry in ClinVar:

ClinVar aggregate classification (germline): Likely pathogenic (1 of 4 stars; one submission).

Allele frequency attached by ClinVar (database versions not stated): gnomAD exomes below 0.00001.
gnomAD v4.1: 2 of 1,610,168 alleles (0.00012%); highest among the groups gnomAD compares: Admixed American, 0.0017%; no homozygotes.

Submission:

Labcorp Genetics (formerly Invitae), Labcorp
Classification: Likely pathogenic. Last evaluated: 2021-04-01. Review status: criteria provided, single submitter. Criteria: Invitae Variant Classification Sherloc (09022015). Collection method: clinical testing. Allele origin: germline.
Comment: In summary, the currently available evidence indicates that the variant is pathogenic, but additional data are needed to prove that conclusively. Therefore, this variant has been classified as Likely Pathogenic. Algorithms developed to predict the effect of sequence changes on RNA splicing suggest that this variant may disrupt the consensus splice site, but this prediction has not been confirmed by published transcriptional studies. This variant has not been reported in the literature in individuals with MSRB3-related conditions. This variant is not present in population databases (ExAC no frequency). This sequence change affects a donor splice site in intron 2 of the MSRB3 gene. It is expected to disrupt RNA splicing. Variants that disrupt the donor or acceptor splice site typically lead to a loss of protein function (PMID: 16199547), and loss-of-function variants in MSRB3 are known to be pathogenic (PMID: 21185009).

Literature cited by the submitters: PubMed 16199547; PubMed 21185009.

NM_001031679.3(MSRB3):c.185+1G>T

Gene: MSRB3 (methionine sulfoxide reductase B3; plus strand). Cytogenetic location: 12q14.3.
Variant type: single nucleotide variant.
Coding change: c.185+1G>T on transcript NM_001031679.3 (MANE Select); the canonical splice donor site of the intron after coding-DNA position 185, G replaced by T.
Molecular consequence: splice donor variant.
Genome position (GRCh38, 1-based): chr12:65,326,935, G>T. VCF-style: chr12-65326935-G-T. GRCh37 (hg19) VCF-style: chr12-65720715-G-T.
Other names: c.185+1G>T (NM_001193460.2, NM_001193461.2); c.206+1G>T (NM_198080.4).
Identifiers: ClinVar variation 1473659 (VCV001473659.8), dbSNP rs1313627984, ClinGen allele CA385674970.